The following is an entry in ClinVar:

ClinVar aggregate classification (germline): Uncertain significance (1 of 4 stars; one submission).

Conditions:
Ehlers-Danlos syndrome, classic type, 1 (EDSCL1). Also called: Ehlers-Danlos Syndrome, Classic Type, COL5A1-Related; EHLERS-DANLOS SYNDROME, GRAVIS TYPE; EHLERS-DANLOS SYNDROME, SEVERE CLASSIC TYPE; Ehlers-Danlos syndrome, type 1; EDS I. Identifiers: MedGen C0268335, MONDO:0019567, OMIM 130000.
Osteogenesis imperfecta type I (OI1). Also called: OI, TYPE I; OSTEOGENESIS IMPERFECTA TARDA; OSTEOGENESIS IMPERFECTA WITH BLUE SCLERAE; Osteogenesis imperfecta type 1; Classic Non-deforming Osteogenesis Imperfecta with Blue Sclerae; Lobstein's Disease. Identifiers: Orphanet 216796, Orphanet 666, MedGen C0023931, MONDO:0008146, OMIM 166200. Disease mechanism: loss of function.

gnomAD v4.1: 1 of 1,614,062 alleles (0.000062%); highest among the groups gnomAD compares: Non-Finnish European, 0.000085%; no homozygotes.

Submission:

Labcorp Genetics (formerly Invitae), Labcorp
Classification: Uncertain significance for Osteogenesis imperfecta type I; Ehlers-Danlos syndrome, classic type, 1. Last evaluated: 2022-05-19. Review status: criteria provided, single submitter. Criteria: Invitae Variant Classification Sherloc (09022015). Collection method: clinical testing. Allele origin: germline.
Comment: This sequence change replaces serine, which is neutral and polar, with phenylalanine, which is neutral and non-polar, at codon 1059 of the COL1A2 protein (p.Ser1059Phe). This variant is not present in population databases (gnomAD no frequency). This variant has not been reported in the literature in individuals affected with COL1A2-related conditions. Advanced modeling of protein sequence and biophysical properties (such as structural, functional, and spatial information, amino acid conservation, physicochemical variation, residue mobility, and thermodynamic stability) performed at Invitae indicates that this missense variant is not expected to disrupt COL1A2 protein function. In summary, the available evidence is currently insufficient to determine the role of this variant in disease. Therefore, it has been classified as a Variant of Uncertain Significance.

NM_000089.4(COL1A2):c.3176C>T (p.Ser1059Phe)

Gene: COL1A2 (collagen type I alpha 2 chain; plus strand). Cytogenetic location: 7q21.3.
Variant type: single nucleotide variant.
Coding change: c.3176C>T on transcript NM_000089.4 (MANE Select); coding-DNA position 3176, C replaced by T.
Protein change: p.Ser1059Phe; replaces serine 1059 with phenylalanine.
Molecular consequence: missense variant.
Genome position (GRCh38, 1-based): chr7:94,427,204, C>T. VCF-style: chr7-94427204-C-T. GRCh37 (hg19) VCF-style: chr7-94056516-C-T.
Other names: short protein forms S1059F.
Identifiers: ClinVar variation 2200040 (VCV002200040.4), dbSNP rs2484737602, ClinGen allele CA368225437.
Genomic context (GRCh38, chr7:94,427,204, plus strand): 5'-TGGGATTCACCAGCTCACATGTACCTGGTGTCTGTCTTCCTTAGGGCCCTGCTGGTCCTT[C>T]TGGCCCTGCTGGAAAAGATGGTCGCACTGGACATCCTGGTACAGTTGGACCTGCTGGCAT-3'
Protein context (NP_000080.2, residues 1049-1069): PAGPRGPAGP[Ser1059Phe]GPAGKDGRTG